The following is an entry in ClinVar:

ClinVar aggregate classification (germline): Uncertain significance (1 of 4 stars; one submission).

Conditions:
Muscular dystrophy-dystroglycanopathy (congenital with brain and eye anomalies), type A2. Also called: MUSCULAR DYSTROPHY-DYSTROGLYCANOPATHY (CONGENITAL WITH BRAIN AND EYE ANOMALIES), TYPE A, 2; WALKER-WARBURG SYNDROME OR MUSCLE-EYE-BRAIN DISEASE, POMT2-RELATED. Identifiers: Orphanet 588, Orphanet 899, MedGen C3150411, MONDO:0013154, OMIM 613150.
Muscular dystrophy-dystroglycanopathy (congenital with impaired intellectual development), type B, 2. Also called: Muscular dystrophy-dystroglycanopathy (congenital with intellectual disability), type B2; MUSCULAR DYSTROPHY, CONGENITAL, POMT2-RELATED. Identifiers: MedGen C3150416, MONDO:0013160, OMIM 613156.
Autosomal recessive limb-girdle muscular dystrophy type 2N. Also called: Muscular dystrophy-dystroglycanopathy (limb-girdle), type C, 2; MUSCULAR DYSTROPHY-DYSTROGLYCANOPATHY, LIMB-GIRDLE, POMT2-RELATED. Identifiers: Orphanet 206559, MedGen C3150418, MONDO:0013162, OMIM 613158.

Allele frequency attached by ClinVar (database versions not stated): gnomAD exomes 0.00001.
gnomAD v4.1: 11 of 1,613,272 alleles (0.00068%); highest among the groups gnomAD compares: Non-Finnish European, 0.00085%; no homozygotes.

Submission:

Labcorp Genetics (formerly Invitae), Labcorp
Classification: Uncertain significance for Muscular dystrophy-dystroglycanopathy (congenital with impaired intellectual development), type B, 2; Muscular dystrophy-dystroglycanopathy (congenital with brain and eye anomalies), type A2; Autosomal recessive limb-girdle muscular dystrophy type 2N. Last evaluated: 2023-07-10. Review status: criteria provided, single submitter. Criteria: Invitae Variant Classification Sherloc (09022015). Collection method: clinical testing. Allele origin: germline.
Comment: In summary, the available evidence is currently insufficient to determine the role of this variant in disease. Therefore, it has been classified as a Variant of Uncertain Significance. Advanced modeling of protein sequence and biophysical properties (such as structural, functional, and spatial information, amino acid conservation, physicochemical variation, residue mobility, and thermodynamic stability) has been performed at Invitae for this missense variant, however the output from this modeling did not meet the statistical confidence thresholds required to predict the impact of this variant on POMT2 protein function. ClinVar contains an entry for this variant (Variation ID: 998802). This variant has not been reported in the literature in individuals affected with POMT2-related conditions. This variant is not present in population databases (gnomAD no frequency). This sequence change replaces proline, which is neutral and non-polar, with serine, which is neutral and polar, at codon 722 of the POMT2 protein (p.Pro722Ser).

NM_013382.7(POMT2):c.2164C>T (p.Pro722Ser)

Gene: POMT2 (protein O-mannosyltransferase 2; minus strand). Cytogenetic location: 14q24.3.
Variant type: single nucleotide variant.
Coding change: c.2164C>T on transcript NM_013382.7 (MANE Select); coding-DNA position 2164, C replaced by T.
Protein change: p.Pro722Ser; replaces proline 722 with serine.
Molecular consequence: missense variant.
Genome position (GRCh38, 1-based): chr14:77,277,465, G>A on the plus strand (C>T on the coding strand, the complement: POMT2 is on the minus strand). VCF-style: chr14-77277465-G-A. GRCh37 (hg19) VCF-style: chr14-77743808-G-A.
Other names: short protein forms P722S.
Identifiers: ClinVar variation 998802 (VCV000998802.9), dbSNP rs1890012951, ClinGen allele CA390512707.